The following is an entry in ClinVar:

NM_000103.4(CYP19A1):c.701_702insAA (p.Phe234fs)

Genes: CYP19A1 (cytochrome P450 family 19 subfamily A member 1; minus strand), MIR4713HG (MIR4713 host gene; plus strand), PIRC66 (piwi-interacting RNA cluster 66; plus strand). Cytogenetic location: 15q21.2.
Variant type: Insertion.
Coding change: c.701_702insAA on transcript NM_000103.4 (MANE Select); coding-DNA positions 701 to 702, AA inserted.
Protein change: p.Phe234fs; shifts the reading frame from phenylalanine 234.
Molecular consequence: frameshift variant.
Genome position: GRCh38 VCF-style: chr15-51218582-G-GTT. GRCh37 (hg19) VCF-style: chr15-51510779-G-GTT.
Other names: c.701_702insAA, p.Phe234fs (NM_001347248.1, NM_001347249.2, NM_001347250.2 and 7 more transcripts); short protein forms F234fs.
Identifiers: ClinVar variation 1075120 (VCV001075120.7), dbSNP rs2141051210, ClinGen allele CA2499223023.
Genomic context (GRCh38, chr15:51,218,582, plus strand): 5'-CCAAAGTTGTATTACTTACACAGACTTCTCATACTTTTTGTATAGCCAAGAAATCTTAAA[G>GTT]AAGATGTCTGGTTTGATGAGGAGAGCTTGCCATGCATCAAAATAACCTTGGATTTTAACC-3'

ClinVar aggregate classification (germline): Pathogenic (1 of 4 stars; one submission).

Submission:

Labcorp Genetics (formerly Invitae), Labcorp
Classification: Pathogenic. Last evaluated: 2020-01-06. Review status: criteria provided, single submitter. Criteria: Invitae Variant Classification Sherloc (09022015). Collection method: clinical testing. Allele origin: germline.
Comment: This sequence change creates a premature translational stop signal (p.Phe234Leufs*19) in the CYP19A1 gene. It is expected to result in an absent or disrupted protein product. This variant is not present in population databases (ExAC no frequency). This variant has not been reported in the literature in individuals with CYP19A1-related conditions. Loss-of-function variants in CYP19A1 are known to be pathogenic (PMID: 14602738, 27086564, 27256151). For these reasons, this variant has been classified as Pathogenic.

Literature cited by the submitters: PubMed 14602738; PubMed 27086564; PubMed 27256151.